The following is an entry in ClinVar:

ClinVar aggregate classification (germline): Uncertain significance (1 of 4 stars; one submission).

Submission:

CeGaT Center for Human Genetics Tuebingen
Classification: Uncertain significance. Last evaluated: 2023-12-01. Review status: criteria provided, single submitter. Criteria: CeGaT Center For Human Genetics Tuebingen Variant Classification Criteria Version 2. Collection method: clinical testing. Allele origin: germline. Affected: yes. Observed: 1 variant allele.
Comment: SCO1: PM2:Supporting, BP4

NM_004589.4(SCO1):c.654A>G (p.Lys218=)

Gene: SCO1 (synthesis of cytochrome C oxidase 1; minus strand). Cytogenetic location: 17p13.1.
Variant type: single nucleotide variant.
Coding change: c.654A>G on transcript NM_004589.4 (MANE Select); coding-DNA position 654, A replaced by G.
Protein change: p.Lys218=; no amino-acid change (lysine 218 retained).
Molecular consequence: synonymous variant.
Genome position (GRCh38, 1-based): chr17:10,691,873, T>C on the plus strand (A>G on the coding strand, the complement: SCO1 is on the minus strand). VCF-style: chr17-10691873-T-C. GRCh37 (hg19) VCF-style: chr17-10595190-T-C.
Identifiers: ClinVar variation 3026636 (VCV003026636.22), dbSNP rs2507855185, ClinGen allele CA497867573.